The following is an entry in ClinVar:

NM_000057.4(BLM):c.3080T>C (p.Val1027Ala)

Gene: BLM (BLM RecQ like helicase; plus strand). Cytogenetic location: 15q26.1.
Variant type: single nucleotide variant.
Coding change: c.3080T>C on transcript NM_000057.4 (MANE Select); coding-DNA position 3080, T replaced by C.
Protein change: p.Val1027Ala; replaces valine 1027 with alanine.
Molecular consequence: missense variant.
Genome position (GRCh38, 1-based): chr15:90,794,227, T>C. VCF-style: chr15-90794227-T-C. GRCh37 (hg19) VCF-style: chr15-91337457-T-C.
Other names: c.3080T>C, p.Val1027Ala (NM_001287246.2, NM_001287247.2); c.1955T>C, p.Val652Ala (NM_001287248.2); c.3080T>C (NM_000057.3); short protein forms V652A, V1027A.
Identifiers: ClinVar variation 1481133 (VCV001481133.6), dbSNP rs373868675, ClinGen allele CA393846787.

ClinVar aggregate classification (germline): Uncertain significance. Review status: criteria provided, single submitter (1 of 4 stars). 2 submissions from 2 submitters: Uncertain significance (1). 1 of the submissions does not count toward it. Last evaluated 2024-07-24.

Conditions:
Bloom syndrome (BLM). Also called: Bloom-Torre-Machacek syndrome. Identifiers: Orphanet 125, MedGen C0005859, MONDO:0008876, OMIM 210900.

Submissions (2):

Labcorp Genetics (formerly Invitae), Labcorp
Classification: Uncertain significance for Bloom syndrome. Last evaluated: 2024-07-24. Review status: criteria provided, single submitter. Criteria: Invitae Variant Classification Sherloc (09022015). Collection method: clinical testing. Allele origin: germline.
Comment: This sequence change replaces valine, which is neutral and non-polar, with alanine, which is neutral and non-polar, at codon 1027 of the BLM protein (p.Val1027Ala). This variant is not present in population databases (gnomAD no frequency). This variant has not been reported in the literature in individuals affected with BLM-related conditions. ClinVar contains an entry for this variant (Variation ID: 1481133). Advanced modeling of protein sequence and biophysical properties (such as structural, functional, and spatial information, amino acid conservation, physicochemical variation, residue mobility, and thermodynamic stability) has been performed at Invitae for this missense variant, however the output from this modeling did not meet the statistical confidence thresholds required to predict the impact of this variant on BLM protein function. In summary, the available evidence is currently insufficient to determine the role of this variant in disease. Therefore, it has been classified as a Variant of Uncertain Significance.

Natera, Inc.
Classification: Uncertain significance for Bloom syndrome. Last evaluated: 2025-01-28. Review status: no assertion criteria provided. Collection method: clinical testing. Allele origin: germline. Not counted in ClinVar's aggregate classification.